The following is an entry in ClinVar:

NM_003126.4(SPTA1):c.6991A>G (p.Lys2331Glu)

Gene: SPTA1 (spectrin alpha, erythrocytic 1; minus strand). Cytogenetic location: 1q23.1.
Variant type: single nucleotide variant.
Coding change: c.6991A>G on transcript NM_003126.4 (MANE Select); coding-DNA position 6991, A replaced by G.
Protein change: p.Lys2331Glu; replaces lysine 2331 with glutamic acid.
Molecular consequence: missense variant.
Genome position (GRCh38, 1-based): chr1:158,612,960, T>C on the plus strand (A>G on the coding strand, the complement: SPTA1 is on the minus strand). VCF-style: chr1-158612960-T-C. GRCh37 (hg19) VCF-style: chr1-158582750-T-C.
Other names: short protein forms K2331E.
Identifiers: ClinVar variation 292938 (VCV000292938.14), dbSNP rs747391167, ClinGen allele CA1181749.

ClinVar aggregate classification (germline): Uncertain significance. Review status: criteria provided, multiple submitters, no conflicts (2 of 4 stars). 6 submissions from 4 submitters: Uncertain significance (6). Last evaluated 2023-04-25.

Conditions:
Hereditary spherocytosis type 3. Also called: Spherocytosis type 3; SPTA1-Related Spherocytosis. Identifiers: Orphanet 822, MedGen C2678338, MONDO:0010053, OMIM 270970.
Elliptocytosis 2 (EL2). Also called: ELLIPTOCYTOSIS, RHESUS-UNLINKED TYPE. Identifiers: Orphanet 288, MedGen C1851741, MONDO:0007533, OMIM 130600.
Pyropoikilocytosis, hereditary. Also called: Pyropoikilocytosis. Identifiers: MedGen C0520739, MONDO:0009948, OMIM 266140, HP:0004839. Disease mechanism: loss of function.

Allele frequency attached by ClinVar (database versions not stated): ExAC 0.00002; gnomAD exomes 0.00002 and 0.00006; TOPMed 0.00005; gnomAD 0.00006.
gnomAD v4.1: 94 of 1,613,652 alleles (0.0058%); highest among the groups gnomAD compares: Non-Finnish European, 0.0076%; no homozygotes.

Submissions (6):

Ambry Genetics
Classification: Uncertain significance. Last evaluated: 2023-04-25. Review status: criteria provided, single submitter. Criteria: Ambry Variant Classification Scheme 2023. Collection method: clinical testing. Allele origin: germline.

Revvity Omics, Revvity
Classification: Uncertain significance. Last evaluated: 2022-11-04. Review status: criteria provided, single submitter. Criteria: ACMG Guidelines, 2015. Collection method: clinical testing. Allele origin: germline.

Labcorp Genetics (formerly Invitae), Labcorp
Classification: Uncertain significance. Last evaluated: 2022-06-05. Review status: criteria provided, single submitter. Criteria: Invitae Variant Classification Sherloc (09022015). Collection method: clinical testing. Allele origin: germline.
Comment: In summary, the available evidence is currently insufficient to determine the role of this variant in disease. Therefore, it has been classified as a Variant of Uncertain Significance. Algorithms developed to predict the effect of missense changes on protein structure and function (SIFT, PolyPhen-2, Align-GVGD) all suggest that this variant is likely to be disruptive. ClinVar contains an entry for this variant (Variation ID: 292938). This variant has not been reported in the literature in individuals affected with SPTA1-related conditions. This variant is present in population databases (rs747391167, gnomAD 0.006%). This sequence change replaces lysine, which is basic and polar, with glutamic acid, which is acidic and polar, at codon 2331 of the SPTA1 protein (p.Lys2331Glu).

Illumina Laboratory Services, Illumina
Classification: Uncertain significance for Pyropoikilocytosis, hereditary. Last evaluated: 2018-01-12. Review status: criteria provided, single submitter. Criteria: ICSL Variant Classification Criteria 13 December 2019. Collection method: clinical testing. Allele origin: germline.

Illumina Laboratory Services, Illumina
Classification: Uncertain significance for Elliptocytosis 2. Last evaluated: 2018-01-12. Review status: criteria provided, single submitter. Criteria: ICSL Variant Classification Criteria 13 December 2019. Collection method: clinical testing. Allele origin: germline.

Illumina Laboratory Services, Illumina
Classification: Uncertain significance for Hereditary spherocytosis type 3. Last evaluated: 2018-01-12. Review status: criteria provided, single submitter. Criteria: ICSL Variant Classification Criteria 13 December 2019. Collection method: clinical testing. Allele origin: germline.